The following is an entry in ClinVar:

ClinVar aggregate classification (germline): Pathogenic (1 of 4 stars; one submission).

Conditions:
Autosomal dominant non-syndromic intellectual disability. Identifiers: Orphanet 178469, MedGen C5680502, MONDO:0015802.

Submission:

Department of Human Genetics, University Hospital Bern, Inselspital
Classification: Pathogenic for Autosomal dominant non-syndromic intellectual disability. Last evaluated: 2026-03-23. Review status: criteria provided, single submitter. Criteria: ACMG Guidelines, 2015. Collection method: clinical testing. Allele origin: de novo. Affected: yes.
Comment: The variant leads to an early stop codon likely resulting in nonsense-mediated mRNA decay. In summary, criteria PVS1, PS2_Supporting and PM2_Supporting were used.

NM_001113407.3(LDB1):c.591G>A (p.Trp197Ter)

Gene: LDB1 (LIM domain binding 1; minus strand). Cytogenetic location: 10q24.32.
Variant type: single nucleotide variant.
Coding change: c.591G>A on transcript NM_001113407.3 (MANE Select); coding-DNA position 591, G replaced by A.
Protein change: p.Trp197Ter; replaces tryptophan 197 with a stop codon.
Molecular consequence: nonsense.
Genome position (GRCh38, 1-based): chr10:102,109,978, C>T on the plus strand (G>A on the coding strand, the complement: LDB1 is on the minus strand). VCF-style: chr10-102109978-C-T. GRCh37 (hg19) VCF-style: chr10-103869735-C-T.
Other names: c.591G>A, p.Trp197Ter (NM_001321612.2); c.483G>A, p.Trp161Ter (NM_003893.5); short protein forms W161*, W197*.
Identifiers: ClinVar variation 4818733 (VCV004818733.1).
Genomic context (GRCh38, chr10:102,109,978, plus strand): 5'-CACATGCATGGCAAGGATGCTGCGGGGGATGAGCTCTCGGTGCTGCCGGATGCTGAAGTG[C>T]CACGTCTTTATCCGCATCATGTCGTCAAACATGAACTCCAGGTACAACCGGCCCTCCACA-3'